The following is an entry in ClinVar:

NM_000396.4(CTSK):c.901A>T (p.Asn301Tyr)

Gene: CTSK (cathepsin K; minus strand). Cytogenetic location: 1q21.3.
Variant type: single nucleotide variant.
Coding change: c.901A>T on transcript NM_000396.4 (MANE Select); coding-DNA position 901, A replaced by T.
Protein change: p.Asn301Tyr; replaces asparagine 301 with tyrosine.
Molecular consequence: missense variant.
Genome position (GRCh38, 1-based): chr1:150,796,888, T>A on the plus strand (A>T on the coding strand, the complement: CTSK is on the minus strand). VCF-style: chr1-150796888-T-A. GRCh37 (hg19) VCF-style: chr1-150769364-T-A.
Other names: c.901A>T (NM_000396.3); short protein forms N301Y.
Identifiers: ClinVar variation 2162667 (VCV002162667.2), dbSNP rs778490830, ClinGen allele CA1080395.
Genomic context (GRCh38, chr1:150,796,888, plus strand): 5'-CAATGCCACAGGCGTTGTTCTTATTTCGAGCCATGAGGATATATCCTTTGTTTCCCCAGT[T>A]TTCTCCCCAGCTGTAAGACCAATCAAGAAAAATACTTAGTACTCTCAGTTTATTTATTCA-3'
Protein context (NP_000387.1, residues 291-311): HWIIKNSWGE[Asn301Tyr]WGNKGYILMA

ClinVar aggregate classification (germline): Uncertain significance. Review status: criteria provided, multiple submitters, no conflicts (2 of 4 stars). 2 submissions from 2 submitters: Uncertain significance (2). Last evaluated 2023-12-20.

Conditions:
Inborn genetic diseases. Identifiers: MedGen C0950123, MeSH D030342.

Allele frequency attached by ClinVar (database versions not stated): gnomAD 0.00005; TOPMed 0.00009.
gnomAD v4.1: 17 of 1,613,168 alleles (0.0011%); highest among the groups gnomAD compares: African/African-American, 0.02%; no homozygotes.

Submissions (2):

Ambry Genetics
Classification: Uncertain significance for Inborn genetic diseases. Last evaluated: 2023-12-20. Review status: criteria provided, single submitter. Criteria: Ambry Variant Classification Scheme 2023. Collection method: clinical testing. Allele origin: germline.

Labcorp Genetics (formerly Invitae), Labcorp
Classification: Uncertain significance. Last evaluated: 2022-03-11. Review status: criteria provided, single submitter. Criteria: Invitae Variant Classification Sherloc (09022015). Collection method: clinical testing. Allele origin: germline.
Comment: This sequence change replaces asparagine, which is neutral and polar, with tyrosine, which is neutral and polar, at codon 301 of the CTSK protein (p.Asn301Tyr). This variant is present in population databases (rs778490830, gnomAD 0.01%). This variant has not been reported in the literature in individuals affected with CTSK-related conditions. Advanced modeling of protein sequence and biophysical properties (such as structural, functional, and spatial information, amino acid conservation, physicochemical variation, residue mobility, and thermodynamic stability) performed at Invitae indicates that this missense variant is not expected to disrupt CTSK protein function. In summary, the available evidence is currently insufficient to determine the role of this variant in disease. Therefore, it has been classified as a Variant of Uncertain Significance.